The following is an entry in ClinVar:

ClinVar aggregate classification (germline): Uncertain significance (1 of 4 stars; one submission).

Conditions:
Fanconi anemia (FA). Also called: Fanconi's anemia. Identifiers: Orphanet 84, MedGen C0015625, MeSH D005199, MONDO:0019391.

Allele frequency attached by ClinVar (database versions not stated): gnomAD exomes 0.00001; ExAC 0.00001.
gnomAD v4.1: 4 of 1,602,528 alleles (0.00025%); highest among the groups gnomAD compares: South Asian, 0.0033%; no homozygotes.

Submission:

Labcorp Genetics (formerly Invitae), Labcorp
Classification: Uncertain significance for Fanconi anemia. Last evaluated: 2022-05-24. Review status: criteria provided, single submitter. Criteria: Invitae Variant Classification Sherloc (09022015). Collection method: clinical testing. Allele origin: germline.
Comment: ClinVar contains an entry for this variant (Variation ID: 643334). Algorithms developed to predict the effect of missense changes on protein structure and function output the following: SIFT: "Tolerated"; PolyPhen-2: "Benign"; Align-GVGD: "Class C0". The cysteine amino acid residue is found in multiple mammalian species, which suggests that this missense change does not adversely affect protein function. In summary, the available evidence is currently insufficient to determine the role of this variant in disease. Therefore, it has been classified as a Variant of Uncertain Significance. This variant has not been reported in the literature in individuals affected with FANCM-related conditions. This variant is present in population databases (rs748721088, gnomAD 0.007%). This sequence change replaces tyrosine, which is neutral and polar, with cysteine, which is neutral and slightly polar, at codon 1525 of the FANCM protein (p.Tyr1525Cys).

NM_020937.4(FANCM):c.4574A>G (p.Tyr1525Cys)

Gene: FANCM (FA complementation group M; plus strand). Cytogenetic location: 14q21.2.
Variant type: single nucleotide variant.
Coding change: c.4574A>G on transcript NM_020937.4 (MANE Select); coding-DNA position 4574, A replaced by G.
Protein change: p.Tyr1525Cys; replaces tyrosine 1525 with cysteine.
Molecular consequence: missense variant.
Genome position (GRCh38, 1-based): chr14:45,185,275, A>G. VCF-style: chr14-45185275-A-G. GRCh37 (hg19) VCF-style: chr14-45654478-A-G.
Other names: c.4574A>G (LRG_502t1); c.4496A>G, p.Tyr1499Cys (NM_001308133.2); short protein forms Y1499C, Y1525C.
Identifiers: ClinVar variation 643334 (VCV000643334.8), dbSNP rs748721088, ClinGen allele CA7169796.